The following is an entry in ClinVar:

NM_133259.4(LRPPRC):c.2369dup (p.His791fs)

Gene: LRPPRC (leucine rich pentatricopeptide repeat containing; minus strand). Cytogenetic location: 2p21.
Variant type: Duplication.
Coding change: c.2369dup on transcript NM_133259.4 (MANE Select); coding-DNA position 2369, one base duplicated (T; older notation c.2369dupT).
Protein change: p.His791fs; shifts the reading frame from histidine 791.
Molecular consequence: frameshift variant.
Genome position (GRCh38, 1-based): chr2:43,943,822, A duplicated on the plus strand (T on the coding strand, the reverse complement: LRPPRC is on the minus strand); the first of 5 consecutive A bases (chr2:43,943,822-43,943,826); duplicating any one gives the same sequence. VCF-style (leftmost placement, unchanged base first): chr2-43943821-G-GA. GRCh37 (hg19) VCF-style: chr2-44170960-G-GA.
Other names: short protein forms H791fs.
Identifiers: ClinVar variation 1456406 (VCV001456406.8), dbSNP rs2105077651, ClinGen allele CA2573134762.
Genomic context (GRCh38, chr2:43,943,821, plus strand): 5'-TTCATGCAACTGTTTTACTGTTTCAATTTCACCTCTTAAAGCTGCGCCATTTAGCATGTG[G>GA]AAAAAGGACAAGGCTGTTGTATCTTTGATAAGAACATCCTTCTCTTTCATCTCCTTCAGA-3'

ClinVar aggregate classification (germline): Pathogenic/Likely pathogenic. Review status: criteria provided, multiple submitters, no conflicts (2 of 4 stars). 2 submissions from 2 submitters: Pathogenic (1); Likely pathogenic (1). Last evaluated 2024-03-16.

Conditions:
Congenital lactic acidosis, Saguenay-Lac-Saint-Jean type (MC4DN5). Also called: CYTOCHROME c OXIDASE DEFICIENCY, FRENCH CANADIAN TYPE; COX DEFICIENCY, FRENCH CANADIAN TYPE; MITOCHONDRIAL COMPLEX IV DEFICIENCY, NUCLEAR TYPE 5. Identifiers: Orphanet 70472, MedGen C1857355, MONDO:0009069, OMIM 220111.

Submissions (2):

Baylor Genetics
Classification: Likely pathogenic for Congenital lactic acidosis, Saguenay-Lac-Saint-Jean type. Last evaluated: 2024-03-16. Review status: criteria provided, single submitter. Criteria: ACMG Guidelines, 2015. Collection method: clinical testing. Allele origin: unknown.

Labcorp Genetics (formerly Invitae), Labcorp
Classification: Pathogenic. Last evaluated: 2023-06-29. Review status: criteria provided, single submitter. Criteria: Invitae Variant Classification Sherloc (09022015). Collection method: clinical testing. Allele origin: germline.
Comment: This sequence change creates a premature translational stop signal (p.His791Profs*11) in the LRPPRC gene. It is expected to result in an absent or disrupted protein product. Loss-of-function variants in LRPPRC are known to be pathogenic (PMID: 26510951). This variant is not present in population databases (gnomAD no frequency). This variant has not been reported in the literature in individuals affected with LRPPRC-related conditions. ClinVar contains an entry for this variant (Variation ID: 1456406). For these reasons, this variant has been classified as Pathogenic.

Literature cited by the submitters: PubMed 26510951 (cited by Labcorp Genetics (formerly Invitae), Labcorp).